The following is an entry in ClinVar:

NM_001110556.2(FLNA):c.2293G>A (p.Ala765Thr)

Gene: FLNA (filamin A; minus strand). Cytogenetic location: Xq28.
Variant type: single nucleotide variant.
Coding change: c.2293G>A on transcript NM_001110556.2 (MANE Select); coding-DNA position 2293, G replaced by A.
Protein change: p.Ala765Thr; replaces alanine 765 with threonine.
Molecular consequence: missense variant.
Genome position (GRCh38, 1-based): chrX:154,362,772, C>T on the plus strand (G>A on the coding strand, the complement: FLNA is on the minus strand). VCF-style: chrX-154362772-C-T. GRCh37 (hg19) VCF-style: chrX-153591140-C-T.
Other names: c.2293G>A, p.Ala765Thr (NM_001456.4); short protein forms A765T.
Identifiers: ClinVar variation 4790744 (VCV004790744.1).
Genomic context (GRCh38, chrX:154,362,772, plus strand): 5'-TGAGCCCTGTCTTGGCTACTCCGGGGCCGTATACTTTGACCTTGTTGGGGTGGCTGCCAG[C>T]TCCCACATTCACCTGCAGGGCACAGGGGCAAGGGCAAGGGCATGAGCAGCCTGGAGGAGA-3'
Protein context (NP_001104026.1, residues 755-775): PNSPFRVNVG[Ala765Thr]GSHPNKVKVY

ClinVar aggregate classification (germline): Uncertain significance (1 of 4 stars; one submission).

Conditions:
Heterotopia, periventricular, X-linked dominant (PVNH1). Also called: PERIVENTRICULAR NODULAR HETEROTOPIA 4; HETEROTOPIA, PERIVENTRICULAR, 1; PERIVENTRICULAR NODULAR HETEROTOPIA 1; X-linked periventricular heterotopia. Identifiers: Orphanet 2149, Orphanet 82004, MedGen C1848213, MONDO:0010233, OMIM 300049.
Oto-palato-digital syndrome, type II (OPD2). Also called: Otopalatodigital Syndrome, Type II; FACIOPALATOOSSEOUS SYNDROME; OPD II SYNDROME; Otopalatodigital Syndrome Type 2 (FLNA-OPD2). Identifiers: Orphanet 669, Orphanet 90652, MedGen C1844696, MONDO:0010571, OMIM 304120.
Melnick-Needles syndrome (MNS). Also called: MELNICK-NEEDLES OSTEODYSPLASTY; OSTEODYSPLASTY OF MELNICK AND NEEDLES; Melnick-Needles Syndrome (FLNA-MNS). Identifiers: Orphanet 2484, MedGen C0025237, MONDO:0010650, OMIM 309350.
Frontometaphyseal dysplasia (FMD1). Identifiers: Orphanet 1826, MedGen C0265293, MONDO:0015942.

Submission:

Labcorp Genetics (formerly Invitae), Labcorp
Classification: Uncertain significance for Oto-palato-digital syndrome, type II; Heterotopia, periventricular, X-linked dominant; Frontometaphyseal dysplasia; Melnick-Needles syndrome. Last evaluated: 2025-08-14. Review status: criteria provided, single submitter. Criteria: Invitae Variant Classification Sherloc (09022015). Collection method: clinical testing. Allele origin: germline.
Comment: This sequence change replaces alanine, which is neutral and non-polar, with threonine, which is neutral and polar, at codon 765 of the FLNA protein (p.Ala765Thr). This variant is not present in population databases (gnomAD no frequency). This variant has not been reported in the literature in individuals affected with FLNA-related conditions. Invitae Evidence Modeling of protein sequence and biophysical properties (such as structural, functional, and spatial information, amino acid conservation, physicochemical variation, residue mobility, and thermodynamic stability) indicates that this missense variant is not expected to disrupt FLNA protein function with a negative predictive value of 95%. In summary, the available evidence is currently insufficient to determine the role of this variant in disease. Therefore, it has been classified as a Variant of Uncertain Significance.